The following is an entry in ClinVar:

NM_004655.4(AXIN2):c.1511del (p.Gly504fs)

Gene: AXIN2 (axin 2; minus strand). Cytogenetic location: 17q24.1.
Variant type: Deletion.
Coding change: c.1511del on transcript NM_004655.4 (MANE Select); coding-DNA position 1511, one base deleted (G; older notation c.1511delG).
Protein change: p.Gly504fs; shifts the reading frame from glycine 504.
Molecular consequence: frameshift variant.
Genome position (GRCh38, 1-based): chr17:65,537,525, C deleted on the plus strand (G on the coding strand, the reverse complement: AXIN2 is on the minus strand); the first of 2 consecutive C bases (chr17:65,537,525-65,537,526); deleting either gives the same sequence. VCF-style (leftmost placement, unchanged base first): chr17-65537524-GC-G. GRCh37 (hg19) VCF-style: chr17-63533642-GC-G.
Other names: c.1511del, p.Gly504fs (NM_001363813.1); short protein forms G504fs.
Identifiers: ClinVar variation 1411927 (VCV001411927.6), dbSNP rs2144460694, ClinGen allele CA2573154691.
Genomic context (GRCh38, chr17:65,537,524, plus strand): 5'-GACGGCATGGTGGTGGATGTAGTGGTGGTGGACATGCTTCGTCGTCTGCTTGGTCACAAA[GC>G]CTTTGCCCCCGAGGAGGGGGCAGGCGCCCGGCGAGGCGGCCGCGGGAGGCAGCTTGCCAC-3'

ClinVar aggregate classification (germline): Pathogenic (1 of 4 stars; one submission).

Conditions:
Oligodontia-cancer predisposition syndrome. Also called: TOOTH AGENESIS-COLORECTAL CANCER SYNDROME. Identifiers: Orphanet 300576, MedGen C1837750, MONDO:0012075, OMIM 608615. Disease mechanism: loss of function.

Submission:

Labcorp Genetics (formerly Invitae), Labcorp
Classification: Pathogenic for Oligodontia-cancer predisposition syndrome. Last evaluated: 2021-08-04. Review status: criteria provided, single submitter. Criteria: Invitae Variant Classification Sherloc (09022015). Collection method: clinical testing. Allele origin: germline.
Comment: For these reasons, this variant has been classified as Pathogenic. Algorithms developed to predict the effect of sequence changes on RNA splicing suggest that this variant may create or strengthen a splice site. This variant has not been reported in the literature in individuals affected with AXIN2-related conditions. This variant is not present in population databases (ExAC no frequency). This sequence change creates a premature translational stop signal (p.Gly504Alafs*3) in the AXIN2 gene. It is expected to result in an absent or disrupted protein product. Loss-of-function variants in AXIN2 are known to be pathogenic (PMID: 15042511, 21416598).

Literature cited by the submitters: PubMed 15042511; PubMed 21416598.